The following is an entry in ClinVar:

NM_001854.4(COL11A1):c.1663A>C (p.Ser555Arg)

Gene: COL11A1 (collagen type XI alpha 1 chain; minus strand). Cytogenetic location: 1p21.1.
Variant type: single nucleotide variant.
Coding change: c.1663A>C on transcript NM_001854.4 (MANE Select); coding-DNA position 1663, A replaced by C.
Protein change: p.Ser555Arg; replaces serine 555 with arginine.
Molecular consequence: missense variant. On other transcripts: non-coding transcript variant (1).
Genome position (GRCh38, 1-based): chr1:103,008,483, T>G on the plus strand (A>C on the coding strand, the complement: COL11A1 is on the minus strand). VCF-style: chr1-103008483-T-G. GRCh37 (hg19) VCF-style: chr1-103474039-T-G.
Other names: c.1315A>C, p.Ser439Arg (NM_001168249.1, NM_080630.4); c.1546A>C, p.Ser516Arg (NM_001190709.2); c.1699A>C, p.Ser567Arg (NM_080629.3); short protein forms S516R, S555R, S567R, S439R.
Identifiers: ClinVar variation 2093806 (VCV002093806.4), dbSNP rs2525433430, ClinGen allele CA341175490.

ClinVar aggregate classification (germline): Uncertain significance (1 of 4 stars; one submission).

Submission:

Labcorp Genetics (formerly Invitae), Labcorp
Classification: Uncertain significance. Last evaluated: 2022-02-18. Review status: criteria provided, single submitter. Criteria: Invitae Variant Classification Sherloc (09022015). Collection method: clinical testing. Allele origin: germline.
Comment: This sequence change replaces serine, which is neutral and polar, with arginine, which is basic and polar, at codon 555 of the COL11A1 protein (p.Ser555Arg). In summary, the available evidence is currently insufficient to determine the role of this variant in disease. Therefore, it has been classified as a Variant of Uncertain Significance. Advanced modeling of protein sequence and biophysical properties (such as structural, functional, and spatial information, amino acid conservation, physicochemical variation, residue mobility, and thermodynamic stability) performed at Invitae indicates that this missense variant is not expected to disrupt COL11A1 protein function. This variant has not been reported in the literature in individuals affected with COL11A1-related conditions. This variant is not present in population databases (gnomAD no frequency).